The following is an entry in ClinVar:

ClinVar aggregate classification (germline): Conflicting classifications of pathogenicity. Review status: criteria provided, conflicting classifications (1 of 4 stars). 2 submissions from 2 submitters: Likely pathogenic (1); Uncertain significance (1). Last evaluated 2024-01-27.

Conditions:
Autosomal dominant nonsyndromic hearing loss 15 (DFNA15). Also called: DEAFNESS, AUTOSOMAL DOMINANT 52; Autosomal dominant nonsyndromic hearing loss 52. Identifiers: Orphanet 90635, MedGen C1865366, MONDO:0011226, OMIM 602459.

Allele frequency attached by ClinVar (database versions not stated): gnomAD exomes below 0.00001.

Submissions (2):

Labcorp Genetics (formerly Invitae), Labcorp
Classification: Likely pathogenic. Last evaluated: 2024-01-27. Review status: criteria provided, single submitter. Criteria: Invitae Variant Classification Sherloc (09022015). Collection method: clinical testing. Allele origin: germline.
Comment: This sequence change replaces leucine, which is neutral and non-polar, with proline, which is neutral and non-polar, at codon 201 of the POU4F3 protein (p.Leu201Pro). This variant is not present in population databases (gnomAD no frequency). This missense change has been observed in individual(s) with autosomal dominant deafness (PMID: 29850532). It has also been observed to segregate with disease in related individuals. ClinVar contains an entry for this variant (Variation ID: 905156). Advanced modeling of protein sequence and biophysical properties (such as structural, functional, and spatial information, amino acid conservation, physicochemical variation, residue mobility, and thermodynamic stability) performed at Invitae indicates that this missense variant is expected to disrupt POU4F3 protein function with a positive predictive value of 80%. Experimental studies have shown that this missense change affects POU4F3 function (PMID: 34250087). In summary, the currently available evidence indicates that the variant is pathogenic, but additional data are needed to prove that conclusively. Therefore, this variant has been classified as Likely Pathogenic.

Illumina Laboratory Services, Illumina
Classification: Uncertain significance for Autosomal dominant nonsyndromic hearing loss 15. Last evaluated: 2018-01-12. Review status: criteria provided, single submitter. Criteria: ICSL Variant Classification Criteria 13 December 2019. Collection method: clinical testing. Allele origin: germline.

Literature cited by the submitters: PubMed 29850532 (cited by Labcorp Genetics (formerly Invitae), Labcorp); PubMed 34250087 (cited by Labcorp Genetics (formerly Invitae), Labcorp).

NM_002700.3(POU4F3):c.602T>C (p.Leu201Pro)

Genes: POU4F3 (POU class 4 homeobox 3; plus strand), RBM27-POU4F3 (RBM27-POU4F3 readthrough; plus strand). Cytogenetic location: 5q32.
Variant type: single nucleotide variant.
Coding change: c.602T>C on transcript NM_002700.3 (MANE Select); coding-DNA position 602, T replaced by C.
Protein change: p.Leu201Pro; replaces leucine 201 with proline.
Molecular consequence: missense variant.
Genome position (GRCh38, 1-based): chr5:146,340,029, T>C. VCF-style: chr5-146340029-T-C. GRCh37 (hg19) VCF-style: chr5-145719592-T-C.
Other names: short protein forms L201P.
Identifiers: ClinVar variation 905156 (VCV000905156.7), dbSNP rs1760429451, ClinGen allele CA361621402.